The following is an entry in ClinVar:

NM_000059.4(BRCA2):c.*1G>A

Gene: BRCA2 (BRCA2 DNA repair associated; plus strand). Cytogenetic location: 13q13.1.
Variant type: single nucleotide variant.
Coding change: c.*1G>A on transcript NM_000059.4 (MANE Select); 1 bases downstream of the stop codon, G replaced by A.
Molecular consequence: 3 prime UTR variant. On other transcripts: non-coding transcript variant (1).
Genome position (GRCh38, 1-based): chr13:32,398,771, G>A. VCF-style: chr13-32398771-G-A. GRCh37 (hg19) VCF-style: chr13-32972908-G-A.
Other names: c.*1G>A (NM_001406719.1, NM_001406720.1, NM_001406721.1 and 2 more transcripts).
Identifiers: ClinVar variation 4758012 (VCV004758012.1).

ClinVar aggregate classification (germline): Uncertain significance (1 of 4 stars; one submission).

Conditions:
Hereditary cancer-predisposing syndrome. Also called: Tumor predisposition; Hereditary Cancer Syndrome; Neoplastic Syndromes, Hereditary; Hereditary neoplastic syndrome. Identifiers: Orphanet 140162, MedGen C0027672, MeSH D009386, MONDO:0015356.

Submission:

Color Diagnostics, LLC DBA Color Health
Classification: Uncertain significance for Hereditary cancer-predisposing syndrome. Last evaluated: 2025-08-30. Review status: criteria provided, single submitter. Criteria: ACMG Guidelines, 2015. Collection method: clinical testing. Allele origin: germline.
Comment: This variant is located in the 3' untranslated region of the BRCA2 gene. To our knowledge, functional studies have not been reported for this variant. This variant has not been reported in individuals affected with BRCA2-related disorders in the literature. This variant has not been identified in the general population by the Genome Aggregation Database (gnomAD). The available evidence is insufficient to determine the role of this variant in disease conclusively. Therefore, this variant is classified as a Variant of Uncertain Significance.